The following is an entry in ClinVar:

NM_004100.5(EYA4):c.437+14A>G

Gene: EYA4 (EYA transcriptional coactivator and phosphatase 4; plus strand). Cytogenetic location: 6q23.2.
Variant type: single nucleotide variant.
Coding change: c.437+14A>G on transcript NM_004100.5 (MANE Select); 14 bases into the intron after coding-DNA position 437, A replaced by G.
Molecular consequence: intron variant.
Genome position (GRCh38, 1-based): chr6:133,461,194, A>G. VCF-style: chr6-133461194-A-G. GRCh37 (hg19) VCF-style: chr6-133782332-A-G.
Other names: c.437+14A>G (NM_001301013.2, NM_172105.4); c.368+14A>G (NM_001370458.1, NM_172103.4); c.275+14A>G (NM_001370459.1, NM_001301012.2).
Identifiers: ClinVar variation 2165916 (VCV002165916.4), dbSNP rs370091494, ClinGen allele CA4008064.
Genomic context (GRCh38, chr6:133,461,194, plus strand): 5'-AGCCCCAGATCAGCACATCAGTATTCCCCACAGCTGTATCCTTCCAAGTAAGTGGTCAGT[A>G]GATTCTTGCTTTAAATTGGCAAACATTTATGTCTATACATGTTTTATAGATGGTTGGATA-3'

ClinVar aggregate classification (germline): Uncertain significance (1 of 4 stars; one submission).

Conditions:
Dilated cardiomyopathy 1J (CMD1J). Also called: CARDIOMYOPATHY, DILATED, WITH SENSORINEURAL HEARING LOSS, AUTOSOMAL DOMINANT. Identifiers: Orphanet 217622, MedGen C1854368, MONDO:0011541, OMIM 605362.

Allele frequency attached by ClinVar (database versions not stated): gnomAD exomes below 0.00001; ExAC 0.00002; ESP Exome Variant Server 0.00008.
gnomAD v4.1: 2 of 1,594,994 alleles (0.00013%); highest among the groups gnomAD compares: Non-Finnish European, 0.00017%; no homozygotes.

Submission:

Labcorp Genetics (formerly Invitae), Labcorp
Classification: Uncertain significance for Dilated cardiomyopathy 1J. Last evaluated: 2022-03-19. Review status: criteria provided, single submitter. Criteria: Invitae Variant Classification Sherloc (09022015). Collection method: clinical testing. Allele origin: germline.
Comment: In summary, the available evidence is currently insufficient to determine the role of this variant in disease. Therefore, it has been classified as a Variant of Uncertain Significance. Algorithms developed to predict the effect of sequence changes on RNA splicing suggest that this variant may disrupt the consensus splice site. This variant has not been reported in the literature in individuals affected with EYA4-related conditions. This variant is present in population databases (rs370091494, gnomAD 0.002%). This sequence change falls in intron 7 of the EYA4 gene. It does not directly change the encoded amino acid sequence of the EYA4 protein.